The following is an entry in ClinVar:

NM_000257.4(MYH7):c.640-15T>C

Gene: MYH7 (myosin heavy chain 7; minus strand). Cytogenetic location: 14q11.2.
Variant type: single nucleotide variant.
Coding change: c.640-15T>C on transcript NM_000257.4 (MANE Select); 15 bases into the intron before coding-DNA position 640, T replaced by C.
Molecular consequence: intron variant.
Genome position (GRCh38, 1-based): chr14:23,431,692, A>G on the plus strand (T>C on the coding strand, the complement: MYH7 is on the minus strand). VCF-style: chr14-23431692-A-G. GRCh37 (hg19) VCF-style: chr14-23900901-A-G.
Other names: c.640-15T>C (NM_001407004.1).
Identifiers: ClinVar variation 3072853 (VCV003072853.1), dbSNP rs2502313165, ClinGen allele CA2575486828.

ClinVar aggregate classification (germline): Likely benign (1 of 4 stars; one submission).

Conditions:
Cardiomyopathy (CMYO). Also called: Cardiomyopathies. Identifiers: Orphanet 167848, MedGen C0878544, MONDO:0004994, HP:0001638. Inheritance: Various modes of inheritance.

Allele frequency attached by ClinVar (database versions not stated): gnomAD exomes below 0.00001.

Submission:

All of Us Research Program, National Institutes of Health
Classification: Likely benign for Cardiomyopathy. Last evaluated: 2023-08-15. Review status: criteria provided, single submitter. Criteria: ACMG Guidelines, 2015. Collection method: clinical testing. Allele origin: germline. Inheritance: Autosomal dominant inheritance. Observed: 1 variant allele, 1 heterozygote.
Comment: This study involves interpretation of variants in research participants for the purpose of population health screening. Participant phenotype was not available at the time of variant classification. Additional details can be found in publication PMID: 35346344, PMCID: PMC8962531